The following is an entry in ClinVar:

NM_013975.4(LIG3):c.3023C>T (p.Pro1008Leu)

Gene: LIG3 (DNA ligase 3; plus strand). Cytogenetic location: 17q12.
Variant type: single nucleotide variant.
Coding change: c.3023C>T on transcript NM_013975.4 (MANE Select); coding-DNA position 3023, C replaced by T.
Protein change: p.Pro1008Leu; replaces proline 1008 with leucine.
Molecular consequence: missense variant.
Genome position (GRCh38, 1-based): chr17:35,004,499, C>T. VCF-style: chr17-35004499-C-T. GRCh37 (hg19) VCF-style: chr17-33331518-C-T.
Other names: short protein forms P1008L.
Identifiers: ClinVar variation 496421 (VCV000496421.1), dbSNP rs1319167353, ClinGen allele CA399086001.

ClinVar aggregate classification (germline): Uncertain significance (1 of 4 stars; one submission).

Allele frequency attached by ClinVar (database versions not stated): gnomAD exomes below 0.00001.
gnomAD v4.1: 1 of 1,613,304 alleles (0.000062%); highest among the groups gnomAD compares: Admixed American, 0.0017%; no homozygotes.

Submission:

Women's Health and Genetics/Laboratory Corporation of America, LabCorp
Classification: Uncertain significance. Last evaluated: 2017-01-16. Review status: criteria provided, single submitter. Criteria: LabCorp Variant Classification Summary - May 2015. Collection method: clinical testing. Allele origin: germline.
Comment: Variant summary: The LIG3 c.3023C>T (p.Pro1008Leu) variant involves the alteration of a conserved nucleotide. 4/4 in silico tools predict a damaging outcome for this substitution. This variant is absent in 121106 control chromosomes and has not, to our knowledge, been reported in affected individuals via publications and/or reputable databases/clinical diagnostic laboratories; nor evaluated for functional impact by in vivo/vitro studies. Because of the absence of clinical information and the lack of functional studies, the variant is classified as a variant of uncertain significance (VUS) until additional information becomes available.